The following is an entry in ClinVar:

NM_016035.5(COQ4):c.149G>C (p.Gly50Ala)

Genes: COQ4 (coenzyme Q4; plus strand), LOC130002704 (ATAC-STARR-seq lymphoblastoid silent region 20335; plus strand). Cytogenetic location: 9q34.11.
Variant type: single nucleotide variant.
Coding change: c.149G>C on transcript NM_016035.5 (MANE Select); coding-DNA position 149, G replaced by C.
Protein change: p.Gly50Ala; replaces glycine 50 with alanine.
Molecular consequence: missense variant.
Genome position (GRCh38, 1-based): chr9:128,323,094, G>C. VCF-style: chr9-128323094-G-C. GRCh37 (hg19) VCF-style: chr9-131085373-G-C.
Other names: p.Gly50Ala; c.149G>C, p.Gly50Ala (NM_001305942.2); short protein forms G50A.
Identifiers: ClinVar variation 1167959 (VCV001167959.14), dbSNP rs3003601, ClinGen allele CA5260421.

ClinVar aggregate classification (germline): Benign/Likely benign. Review status: criteria provided, multiple submitters, no conflicts (2 of 4 stars). 5 submissions from 5 submitters: Benign (4); Likely benign (1). Last evaluated 2026-02-04.

Conditions:
Neonatal encephalomyopathy-cardiomyopathy-respiratory distress syndrome. Also called: Coenzyme Q10 deficiency, primary, 7. Identifiers: Orphanet 457185, MedGen C5568562, MONDO:0014562, OMIM 616276.

Allele frequency attached by ClinVar (database versions not stated): TOPMed 0.99609; ESP Exome Variant Server 0.99705; 1000 Genomes Project 30x 0.99781; 1000 Genomes Project 0.99800.
gnomAD v4.1: 1,610,292 of 1,611,922 alleles (100%); highest among the groups gnomAD compares: East Asian, 100%; 804,336 homozygotes.

Submissions (5):

Labcorp Genetics (formerly Invitae), Labcorp
Classification: Benign for Neonatal encephalomyopathy-cardiomyopathy-respiratory distress syndrome. Last evaluated: 2026-02-04. Review status: criteria provided, single submitter. Criteria: Invitae Variant Classification Sherloc (09022015). Collection method: clinical testing. Allele origin: germline.

Mayo Clinic Laboratories, Mayo Clinic
Classification: Likely benign. Last evaluated: 2025-07-21. Review status: criteria provided, single submitter. Criteria: ACMG Guidelines, 2015. Collection method: clinical testing. Allele origin: germline. Observed: 2,411 variant alleles.
Comment: BP4

Blueprint Genetics
Classification: Benign. Last evaluated: 2024-11-27. Review status: criteria provided, single submitter. Criteria: ACMG Guidelines, 2015. Collection method: clinical testing. Allele origin: germline.

Genome-Nilou Lab
Classification: Benign for Neonatal encephalomyopathy-cardiomyopathy-respiratory distress syndrome. Last evaluated: 2021-07-30. Review status: criteria provided, single submitter. Criteria: ACMG Guidelines, 2015. Collection method: clinical testing. Allele origin: germline. Affected: no.

Breakthrough Genomics
Classification: Benign. Review status: criteria provided, single submitter. Criteria: ACMG Guidelines, 2015. Collection method: not provided. Allele origin: germline. Inheritance: Autosomal recessive inheritance. Affected: yes.